The following is an entry in ClinVar:

ClinVar aggregate classification (germline): Likely benign. Review status: criteria provided, multiple submitters, no conflicts (2 of 4 stars). 5 submissions from 5 submitters: Likely benign (5). Last evaluated 2026-05-26.

Conditions:
TTN-related disorder. Also called: TTN-related disorders; TTN-related condition; TTN-related disease.
Autosomal recessive limb-girdle muscular dystrophy type 2J (LGMDR10). Also called: Limb-girdle muscular dystrophy, type 2J; MUSCULAR DYSTROPHY, LIMB-GIRDLE, AUTOSOMAL RECESSIVE 10. Identifiers: Orphanet 140922, MedGen C1837342, MONDO:0012127, OMIM 608807.
Dilated cardiomyopathy 1G (CMD1G). Identifiers: Orphanet 154, MedGen C1858763, MONDO:0011400, OMIM 604145.
Cardiovascular phenotype. Identifiers: MedGen CN230736.

Allele frequency attached by ClinVar (database versions not stated): gnomAD exomes 0.00002; ExAC 0.00004; gnomAD 0.00006; 1000 Genomes Project 30x 0.00016; 1000 Genomes Project 0.00020; TOPMed 0.00029.
gnomAD v4.1: 41 of 1,564,402 alleles (0.0026%); highest among the groups gnomAD compares: Admixed American, 0.042%; no homozygotes.

Submissions (5):

PreventionGenetics, part of Exact Sciences
Classification: Likely benign for TTN-related condition. Last evaluated: 2026-05-26. Review status: criteria provided, single submitter. Criteria: ACMG Guidelines, 2015. Collection method: clinical testing. Allele origin: germline.
Comment: This variant is classified as likely benign based on ACMG/AMP sequence variant interpretation guidelines (Richards et al. 2015 PMID: 25741868, with internal and published modifications).

Labcorp Genetics (formerly Invitae), Labcorp
Classification: Likely benign for Dilated cardiomyopathy 1G; Autosomal recessive limb-girdle muscular dystrophy type 2J. Last evaluated: 2025-12-22. Review status: criteria provided, single submitter. Criteria: Invitae Variant Classification Sherloc (09022015). Collection method: clinical testing. Allele origin: germline.

Blueprint Genetics
Classification: Likely benign. Last evaluated: 2023-11-30. Review status: criteria provided, single submitter. Criteria: ACMG Guidelines, 2015. Collection method: clinical testing. Allele origin: germline.

Ambry Genetics
Classification: Likely benign for Cardiovascular phenotype. Last evaluated: 2022-03-06. Review status: criteria provided, single submitter. Criteria: Ambry Variant Classification Scheme 2023. Collection method: clinical testing. Allele origin: germline.

GeneDx
Classification: Likely benign. Last evaluated: 2018-02-08. Review status: criteria provided, single submitter. Criteria: GeneDx Variant Classification (06012015). Collection method: clinical testing. Allele origin: germline. Affected: yes.
Comment: This variant is considered likely benign or benign based on one or more of the following criteria: it is a conservative change, it occurs at a poorly conserved position in the protein, it is predicted to be benign by multiple in silico algorithms, and/or has population frequency not consistent with disease.

NM_001267550.2(TTN):c.69741G>A (p.Pro23247=)

Genes: TTN (titin; minus strand), TTN-AS1 (TTN antisense RNA 1; plus strand), LOC126806422 (BRD4-independent group 4 enhancer GRCh37_chr2:179440205-179441404; plus strand). Cytogenetic location: 2q31.2.
Variant type: single nucleotide variant.
Coding change: c.69741G>A on transcript NM_001267550.2 (MANE Select); coding-DNA position 69741, G replaced by A.
Protein change: p.Pro23247=; no amino-acid change (proline 23247 retained).
Molecular consequence: synonymous variant.
Genome position (GRCh38, 1-based): chr2:178,576,391, C>T on the plus strand (G>A on the coding strand, the complement: TTN is on the minus strand). VCF-style: chr2-178576391-C-T. GRCh37 (hg19) VCF-style: chr2-179441118-C-T.
Other names: c.64818G>A, p.Pro21606= (NM_001256850.1); c.42546G>A, p.Pro14182= (NM_003319.4); c.62037G>A, p.Pro20679= (NM_133378.4); c.42921G>A, p.Pro14307= (NM_133432.3); c.43122G>A, p.Pro14374= (NM_133437.4).
Identifiers: ClinVar variation 390575 (VCV000390575.16), dbSNP rs566393354, ClinGen allele CA1990882.